The following is an entry in ClinVar:

ClinVar aggregate classification (germline): Uncertain significance (1 of 4 stars; one submission).

Allele frequency attached by ClinVar (database versions not stated): gnomAD exomes below 0.00001; ExAC 0.00001.
gnomAD v4.1: 7 of 1,614,184 alleles (0.00043%); highest among the groups gnomAD compares: Non-Finnish European, 0.00051%; no homozygotes.

Submission:

Labcorp Genetics (formerly Invitae), Labcorp
Classification: Uncertain significance. Last evaluated: 2023-12-17. Review status: criteria provided, single submitter. Criteria: Invitae Variant Classification Sherloc (09022015). Collection method: clinical testing. Allele origin: germline.
Comment: This sequence change replaces arginine, which is basic and polar, with serine, which is neutral and polar, at codon 100 of the NIN protein (p.Arg100Ser). This variant is present in population databases (rs749624103, gnomAD 0.002%). This variant has not been reported in the literature in individuals affected with NIN-related conditions. An algorithm developed to predict the effect of missense changes on protein structure and function (PolyPhen-2) suggests that this variant is likely to be tolerated. In summary, the available evidence is currently insufficient to determine the role of this variant in disease. Therefore, it has been classified as a Variant of Uncertain Significance.

NM_020921.4(NIN):c.300A>T (p.Arg100Ser)

Gene: NIN (ninein; minus strand). Cytogenetic location: 14q22.1.
Variant type: single nucleotide variant.
Coding change: c.300A>T on transcript NM_020921.4 (MANE Select); coding-DNA position 300, A replaced by T.
Protein change: p.Arg100Ser; replaces arginine 100 with serine.
Molecular consequence: missense variant.
Genome position (GRCh38, 1-based): chr14:50,792,847, T>A on the plus strand (A>T on the coding strand, the complement: NIN is on the minus strand). VCF-style: chr14-50792847-T-A. GRCh37 (hg19) VCF-style: chr14-51259565-T-A.
Other names: c.300A>T, p.Arg100Ser (NM_016350.5, NM_182944.3, NM_182946.2); short protein forms R100S.
Identifiers: ClinVar variation 2802181 (VCV002802181.3), dbSNP rs749624103, ClinGen allele CA7182526.